The following is an entry in ClinVar:

NM_001166271.3(SPATA13):c.840C>T (p.Ala280=)

Gene: SPATA13 (spermatogenesis associated 13; plus strand). Cytogenetic location: 13q12.12.
Variant type: single nucleotide variant.
Coding change: c.840C>T on transcript NM_001166271.3 (MANE Select); coding-DNA position 840, C replaced by T.
Protein change: p.Ala280=; no amino-acid change (alanine 280 retained).
Molecular consequence: synonymous variant. On other transcripts: intron variant (1).
Genome position (GRCh38, 1-based): chr13:24,223,769, C>T. VCF-style: chr13-24223769-C-T. GRCh37 (hg19) VCF-style: chr13-24797907-C-T.
Other names: c.1026C>T, p.Ala342= (NM_001286792.2); c.-222-25708C>T (NM_153023.4).
Identifiers: ClinVar variation 3042282 (VCV003042282.2), dbSNP rs751634344, ClinGen allele CA6913877.

ClinVar aggregate classification (germline): Likely benign (0 of 4 stars; one submission).

Conditions:
SPATA13-related disorder. Also called: SPATA13-related condition.

Allele frequency attached by ClinVar (database versions not stated): gnomAD 0.00005.
gnomAD v4.1: 334 of 1,551,750 alleles (0.022%); highest among the groups gnomAD compares: Non-Finnish European, 0.027%; no homozygotes.

Submission:

PreventionGenetics, part of Exact Sciences
Classification: Likely benign for SPATA13-related condition. Last evaluated: 2019-05-10. Review status: no assertion criteria provided. Collection method: clinical testing. Allele origin: germline.
Comment: This variant is classified as likely benign based on ACMG/AMP sequence variant interpretation guidelines (Richards et al. 2015 PMID: 25741868, with internal and published modifications).